The following is an entry in ClinVar:

ClinVar aggregate classification (germline): Uncertain significance. Review status: criteria provided, multiple submitters, no conflicts (2 of 4 stars). 3 submissions from 3 submitters: Uncertain significance (3). Last evaluated 2026-01-08.

Conditions:
Inborn genetic diseases. Identifiers: MedGen C0950123, MeSH D030342.

Allele frequency attached by ClinVar (database versions not stated): ExAC 0.00005; gnomAD exomes 0.00005 and 0.00008; gnomAD 0.00007 and 0.00008; TOPMed 0.00009.
gnomAD v4.1: 136 of 1,613,866 alleles (0.0084%); highest among the groups gnomAD compares: Admixed American, 0.025%; no homozygotes.

Submissions (3):

Labcorp Genetics (formerly Invitae), Labcorp
Classification: Uncertain significance. Last evaluated: 2026-01-08. Review status: criteria provided, single submitter. Criteria: Invitae Variant Classification Sherloc (09022015). Collection method: clinical testing. Allele origin: germline.
Comment: This sequence change replaces serine, which is neutral and polar, with phenylalanine, which is neutral and non-polar, at codon 1675 of the RP1 protein (p.Ser1675Phe). This variant is present in population databases (rs202092613, gnomAD 0.03%). This missense change has been observed in individuals with clinical features of RP1-related conditions (internal data). ClinVar contains an entry for this variant (Variation ID: 1047804). An algorithm developed to predict the effect of missense changes on protein structure and function (PolyPhen-2) suggests that this variant is likely to be tolerated. In summary, the available evidence is currently insufficient to determine the role of this variant in disease. Therefore, it has been classified as a Variant of Uncertain Significance.

Ambry Genetics
Classification: Uncertain significance for Inborn genetic diseases. Last evaluated: 2025-11-11. Review status: criteria provided, single submitter. Criteria: Ambry Variant Classification Scheme 2023. Collection method: clinical testing. Allele origin: germline.

Blueprint Genetics
Classification: Uncertain significance. Last evaluated: 2024-11-22. Review status: criteria provided, single submitter. Criteria: ACMG Guidelines, 2015. Collection method: clinical testing. Allele origin: germline.

NM_006269.2(RP1):c.5024C>T (p.Ser1675Phe)

Genes: RP1 (RP1 axonemal microtubule associated; plus strand), LOC126860392 (CDK7 strongly-dependent group 2 enhancer GRCh37_chr8:55541319-55542518; plus strand). Cytogenetic location: 8q12.1.
Variant type: single nucleotide variant.
Coding change: c.5024C>T on transcript NM_006269.2 (MANE Select); coding-DNA position 5024, C replaced by T.
Protein change: p.Ser1675Phe; replaces serine 1675 with phenylalanine.
Molecular consequence: missense variant. On other transcripts: intron variant (1).
Genome position (GRCh38, 1-based): chr8:54,628,906, C>T. VCF-style: chr8-54628906-C-T. GRCh37 (hg19) VCF-style: chr8-55541466-C-T.
Other names: c.787+6618C>T (NM_001375654.1); c.5024C>T (NM_006269.1); short protein forms S1675F.
Identifiers: ClinVar variation 1047804 (VCV001047804.11), dbSNP rs202092613, ClinGen allele CA4751988.